The following is an entry in ClinVar:

ClinVar aggregate classification (germline): Likely benign. Review status: criteria provided, multiple submitters, no conflicts (2 of 4 stars). 3 submissions from 3 submitters: Likely benign (3). Last evaluated 2025-05-30.

Conditions:
Familial hypercholesterolemia. Also called: Familial hypercholesterolaemia; Familial hypercholesterolemias. Identifiers: MedGen C0020445, MONDO:0005439.
Hypercholesterolemia, autosomal dominant, 3 (FHCL3). Also called: PCSK9-Related Familial Hypercholesterolemia, Autosomal Dominant; Familial hypercholesterolemia 3; Familial Hypercholesterolemia, Autosomal Dominant, 3. Identifiers: MedGen C1863551, MONDO:0011369, OMIM 603776.

Allele frequency attached by ClinVar (database versions not stated): gnomAD exomes 0.00001 and 0.00003; ExAC 0.00003; ESP Exome Variant Server 0.00015; gnomAD 0.00017 and 0.00019; TOPMed 0.00020.
gnomAD v4.1: 42 of 1,596,278 alleles (0.0026%); highest among the groups gnomAD compares: African/African-American, 0.054%; no homozygotes.

Submissions (3):

Labcorp Genetics (formerly Invitae), Labcorp
Classification: Likely benign for Hypercholesterolemia, autosomal dominant, 3. Last evaluated: 2025-05-30. Review status: criteria provided, single submitter. Criteria: Invitae Variant Classification Sherloc (09022015). Collection method: clinical testing. Allele origin: germline.

Color Diagnostics, LLC DBA Color Health
Classification: Likely benign for Familial hypercholesterolemias. Last evaluated: 2017-12-08. Review status: criteria provided, single submitter. Criteria: ACMG Guidelines, 2015. Collection method: clinical testing. Allele origin: germline.

GeneDx
Classification: Likely benign. Last evaluated: 2017-06-28. Review status: criteria provided, single submitter. Criteria: GeneDx Variant Classification (06012015). Collection method: clinical testing. Allele origin: germline. Affected: yes.
Comment: This variant is considered likely benign or benign based on one or more of the following criteria: it is a conservative change, it occurs at a poorly conserved position in the protein, it is predicted to be benign by multiple in silico algorithms, and/or has population frequency not consistent with disease.

NM_174936.4(PCSK9):c.1682-20C>A

Gene: PCSK9 (proprotein convertase subtilisin/kexin type 9; plus strand). Cytogenetic location: 1p32.3.
Variant type: single nucleotide variant.
Coding change: c.1682-20C>A on transcript NM_174936.4 (MANE Select); 20 bases into the intron before coding-DNA position 1682, C replaced by A.
Molecular consequence: intron variant.
Genome position (GRCh38, 1-based): chr1:55,061,355, C>A. VCF-style: chr1-55061355-C-A. GRCh37 (hg19) VCF-style: chr1-55527028-C-A.
Identifiers: ClinVar variation 510465 (VCV000510465.6), dbSNP rs372844138, ClinGen allele CA038387.